The following is an entry in ClinVar:

NM_000057.4(BLM):c.3022del (p.Glu1008fs)

Gene: BLM (BLM RecQ like helicase; plus strand). Cytogenetic location: 15q26.1.
Variant type: Deletion.
Coding change: c.3022del on transcript NM_000057.4 (MANE Select); coding-DNA position 3022, one base deleted (G; older notation c.3022delG).
Protein change: p.Glu1008fs; shifts the reading frame from glutamic acid 1008.
Molecular consequence: frameshift variant.
Genome position (GRCh38, 1-based): chr15:90,794,169, G deleted; the last of 2 consecutive G bases (chr15:90,794,168-90,794,169); deleting either gives the same sequence. VCF-style (leftmost placement, unchanged base first): chr15-90794167-TG-T. GRCh37 (hg19) VCF-style: chr15-91337397-TG-T.
Other names: c.3022del (LRG_20t1); c.3022del, p.Glu1008fs (NM_001287246.2, NM_001287247.2); c.1897del, p.Glu633fs (NM_001287248.2); short protein forms E1008fs, E633fs.
Identifiers: ClinVar variation 370723 (VCV000370723.5), dbSNP rs1057516719, ClinGen allele CA16041777.

ClinVar aggregate classification (germline): Pathogenic. Review status: criteria provided, single submitter (1 of 4 stars). 2 submissions from 2 submitters: Pathogenic (1). 1 of the submissions does not count toward it. Last evaluated 2024-06-23.

Conditions:
Bloom syndrome (BLM). Also called: Bloom-Torre-Machacek syndrome. Identifiers: Orphanet 125, MedGen C0005859, MONDO:0008876, OMIM 210900.

Submissions (2):

Labcorp Genetics (formerly Invitae), Labcorp
Classification: Pathogenic for Bloom syndrome. Last evaluated: 2024-06-23. Review status: criteria provided, single submitter. Criteria: Invitae Variant Classification Sherloc (09022015). Collection method: clinical testing. Allele origin: germline.
Comment: This sequence change creates a premature translational stop signal (p.Glu1008Lysfs*26) in the BLM gene. It is expected to result in an absent or disrupted protein product. Loss-of-function variants in BLM are known to be pathogenic (PMID: 17407155). This sequence change creates a premature translational stop signal (p.Glu1008Lysfs*26) in the BLM gene. It is expected to result in an absent or disrupted protein product. Loss-of-function variants in BLM are known to be pathogenic (PMID: 17407155). This variant is not present in population databases (gnomAD no frequency). This variant is not present in population databases (gnomAD no frequency). This variant has not been reported in the literature in individuals affected with BLM-related conditions. This variant has not been reported in the literature in individuals affected with BLM-related conditions. ClinVar contains an entry for this variant (Variation ID: 370723). ClinVar contains an entry for this variant (Variation ID: 370723). For these reasons, this variant has been classified as Pathogenic. For these reasons, this variant has been classified as Pathogenic.

Counsyl
Classification: Likely pathogenic for Bloom syndrome. Last evaluated: 2016-03-30. Review status: no assertion criteria provided. Collection method: clinical testing. Allele origin: unknown. Not counted in ClinVar's aggregate classification.

Literature cited by the submitters: PubMed 17407155 (cited by Labcorp Genetics (formerly Invitae), Labcorp).